The following is an entry in ClinVar:

NM_001458.5(FLNC):c.4276C>T (p.Arg1426Trp)

Gene: FLNC (filamin C; plus strand). Cytogenetic location: 7q32.1.
Variant type: single nucleotide variant.
Coding change: c.4276C>T on transcript NM_001458.5 (MANE Select); coding-DNA position 4276, C replaced by T.
Protein change: p.Arg1426Trp; replaces arginine 1426 with tryptophan.
Molecular consequence: missense variant.
Genome position (GRCh38, 1-based): chr7:128,846,893, C>T. VCF-style: chr7-128846893-C-T. GRCh37 (hg19) VCF-style: chr7-128486947-C-T.
Other names: c.4276C>T, p.Arg1426Trp (NM_001127487.2); short protein forms R1426W.
Identifiers: ClinVar variation 1739292 (VCV001739292.11), dbSNP rs763218103, ClinGen allele CA4475283.

ClinVar aggregate classification (germline): Uncertain significance. Review status: criteria provided, multiple submitters, no conflicts (2 of 4 stars). 5 submissions from 5 submitters: Uncertain significance (5). Last evaluated 2025-09-23.

Conditions:
Cardiovascular phenotype. Identifiers: MedGen CN230736.
Distal myopathy with posterior leg and anterior hand involvement. Also called: WILLIAMS DISTAL MYOPATHY. Identifiers: Orphanet 63273, MedGen C3279722, MONDO:0013550, OMIM 614065.
Myofibrillar myopathy 5. Also called: Filaminopathy (type); FILAMINOPATHY, AUTOSOMAL DOMINANT. Identifiers: Orphanet 171445, MedGen C1836050, MONDO:0012289, OMIM 609524.
Hypertrophic cardiomyopathy 26. Also called: Cardiomyopathy, familial hypertrophic, 26. Identifiers: Orphanet 75249, MedGen C4310749, MONDO:0014883, OMIM 617047.
FLNC-related disorder. Also called: FLNC-related condition; FLNC-related disorders.

Allele frequency attached by ClinVar (database versions not stated): gnomAD exomes below 0.00001; TOPMed below 0.00001; ExAC 0.00001.
gnomAD v4.1: 4 of 1,614,164 alleles (0.00025%); highest among the groups gnomAD compares: South Asian, 0.0011%; no homozygotes.

Submissions (5):

Labcorp Genetics (formerly Invitae), Labcorp
Classification: Uncertain significance for Distal myopathy with posterior leg and anterior hand involvement; Myofibrillar myopathy 5; Hypertrophic cardiomyopathy 26. Last evaluated: 2025-09-23. Review status: criteria provided, single submitter. Criteria: Invitae Variant Classification Sherloc (09022015). Collection method: clinical testing. Allele origin: germline.
Comment: This sequence change replaces arginine, which is basic and polar, with tryptophan, which is neutral and slightly polar, at codon 1426 of the FLNC protein (p.Arg1426Trp). This variant is present in population databases (rs763218103, gnomAD 0.003%). This variant has not been reported in the literature in individuals affected with FLNC-related conditions. ClinVar contains an entry for this variant (Variation ID: 1739292). Invitae Evidence Modeling of protein sequence and biophysical properties (such as structural, functional, and spatial information, amino acid conservation, physicochemical variation, residue mobility, and thermodynamic stability) has been performed for this missense variant. However, the output from this modeling did not meet the statistical confidence thresholds required to predict the impact of this variant on FLNC protein function. In summary, the available evidence is currently insufficient to determine the role of this variant in disease. Therefore, it has been classified as a Variant of Uncertain Significance.

Ambry Genetics
Classification: Uncertain significance for Cardiovascular phenotype. Last evaluated: 2024-04-08. Review status: criteria provided, single submitter. Criteria: Ambry Variant Classification Scheme 2023. Collection method: clinical testing. Allele origin: germline.

PreventionGenetics, part of Exact Sciences
Classification: Uncertain significance for FLNC-related condition. Last evaluated: 2023-08-24. Review status: criteria provided, single submitter. Criteria: ACMG Guidelines, 2015. Collection method: clinical testing. Allele origin: germline.
Comment: The FLNC c.4276C>T variant is predicted to result in the amino acid substitution p.Arg1426Trp. To our knowledge, this variant has not been reported in the literature. This variant is reported in 0.0033% of alleles in individuals of South Asian descent in gnomAD. At this time, the clinical significance of this variant is uncertain due to the absence of conclusive functional and genetic evidence.

Revvity Omics, Revvity
Classification: Uncertain significance. Last evaluated: 2023-03-21. Review status: criteria provided, single submitter. Criteria: ACMG Guidelines, 2015. Collection method: clinical testing. Allele origin: germline.

Department of Pathology and Laboratory Medicine, Sinai Health System
Classification: Uncertain significance for Myofibrillar myopathy 5; Distal myopathy with posterior leg and anterior hand involvement; Hypertrophic cardiomyopathy 26. Last evaluated: 2021-07-30. Review status: criteria provided, single submitter. Criteria: ACMG Guidelines, 2015. Collection method: research. Allele origin: germline.